The following is an entry in ClinVar:

ClinVar aggregate classification (germline): Uncertain significance (1 of 4 stars; one submission).

Conditions:
Hereditary spastic paraplegia 11. Also called: SPASTIC PARAPLEGIA, AUTOSOMAL RECESSIVE, COMPLICATED, WITH THIN CORPUS CALLOSUM; SPASTIC PARAPLEGIA, AUTOSOMAL RECESSIVE, WITH MENTAL IMPAIRMENT AND THIN CORPUS CALLOSUM; Spastic Paraplegia 11; Spastic paraplegia, mental retardation and thin corpus callosum; Nakamura Osame syndrome; Autosomal recessive hereditary spastic paraplegia, mental impairment, and thin corpus callosum. Identifiers: Orphanet 2822, MedGen C1858479, MONDO:0011445, OMIM 604360.

Allele frequency attached by ClinVar (database versions not stated): gnomAD exomes below 0.00001.
gnomAD v4.1: 2 of 1,614,186 alleles (0.00012%); highest among the groups gnomAD compares: Admixed American, 0.0033%; no homozygotes.

Submission:

Labcorp Genetics (formerly Invitae), Labcorp
Classification: Uncertain significance for Hereditary spastic paraplegia 11. Last evaluated: 2022-06-23. Review status: criteria provided, single submitter. Criteria: Invitae Variant Classification Sherloc (09022015). Collection method: clinical testing. Allele origin: germline.
Comment: This sequence change replaces asparagine, which is neutral and polar, with serine, which is neutral and polar, at codon 1205 of the SPG11 protein (p.Asn1205Ser). This variant is present in population databases (no rsID available, gnomAD 0.006%). This variant has not been reported in the literature in individuals affected with SPG11-related conditions. Algorithms developed to predict the effect of missense changes on protein structure and function are either unavailable or do not agree on the potential impact of this missense change (SIFT: "Deleterious"; PolyPhen-2: "Benign"; Align-GVGD: "Class C0"). In summary, the available evidence is currently insufficient to determine the role of this variant in disease. Therefore, it has been classified as a Variant of Uncertain Significance.

NM_025137.4(SPG11):c.3614A>G (p.Asn1205Ser)

Gene: SPG11 (SPG11 vesicle trafficking associated, spatacsin; minus strand). Cytogenetic location: 15q21.1.
Variant type: single nucleotide variant.
Coding change: c.3614A>G on transcript NM_025137.4 (MANE Select); coding-DNA position 3614, A replaced by G.
Protein change: p.Asn1205Ser; replaces asparagine 1205 with serine.
Molecular consequence: missense variant.
Genome position (GRCh38, 1-based): chr15:44,600,539, T>C on the plus strand (A>G on the coding strand, the complement: SPG11 is on the minus strand). VCF-style: chr15-44600539-T-C. GRCh37 (hg19) VCF-style: chr15-44892737-T-C.
Other names: c.3614A>G, p.Asn1205Ser (NM_001160227.2, NM_001411132.1); short protein forms N1205S.
Identifiers: ClinVar variation 1989577 (VCV001989577.1), dbSNP rs1451774392, ClinGen allele CA392231171.